The following is an entry in ClinVar:

ClinVar aggregate classification (germline): Uncertain significance. Review status: criteria provided, multiple submitters, no conflicts (2 of 4 stars). 2 submissions from 2 submitters: Uncertain significance (2). Last evaluated 2025-08-17.

Conditions:
Hajdu-Cheney syndrome (HJCYS). Also called: Acroosteolysis dominant type; ACROOSTEOLYSIS WITH OSTEOPOROSIS AND CHANGES IN SKULL AND MANDIBLE; SERPENTINE FIBULA-POLYCYSTIC KIDNEY SYNDROME. Identifiers: Orphanet 955, MedGen C0917715, MONDO:0007057, OMIM 102500.
NOTCH2-related disorder. Also called: NOTCH2-related condition.

gnomAD v4.1: 6 of 1,613,806 alleles (0.00037%); highest among the groups gnomAD compares: Non-Finnish European, 0.00051%; no homozygotes.

Submissions (2):

Labcorp Genetics (formerly Invitae), Labcorp
Classification: Uncertain significance for Hajdu-Cheney syndrome. Last evaluated: 2025-08-17. Review status: criteria provided, single submitter. Criteria: Invitae Variant Classification Sherloc (09022015). Collection method: clinical testing. Allele origin: germline.
Comment: This sequence change replaces arginine, which is basic and polar, with tryptophan, which is neutral and slightly polar, at codon 1889 of the NOTCH2 protein (p.Arg1889Trp). This variant is present in population databases (no rsID available, gnomAD 0.0009%). This variant has not been reported in the literature in individuals affected with NOTCH2-related conditions. Invitae Evidence Modeling of protein sequence and biophysical properties (such as structural, functional, and spatial information, amino acid conservation, physicochemical variation, residue mobility, and thermodynamic stability) has been performed for this missense variant. However, the output from this modeling did not meet the statistical confidence thresholds required to predict the impact of this variant on NOTCH2 protein function. In summary, the available evidence is currently insufficient to determine the role of this variant in disease. Therefore, it has been classified as a Variant of Uncertain Significance.

PreventionGenetics, part of Exact Sciences
Classification: Uncertain significance for NOTCH2-related condition. Last evaluated: 2025-04-22. Review status: criteria provided, single submitter. Criteria: ACMG Guidelines, 2015. Collection method: clinical testing. Allele origin: germline.
Comment: The NOTCH2 c.5665C>T variant is predicted to result in the amino acid substitution p.Arg1889Trp. To our knowledge, this variant has not been reported in the literature. This variant is reported in 0.00088% of alleles in individuals of European (Non-Finnish) descent in gnomAD. At this time, the clinical significance of this variant is uncertain due to the absence of conclusive functional and genetic evidence.

NM_024408.4(NOTCH2):c.5665C>T (p.Arg1889Trp)

Gene: NOTCH2 (notch receptor 2; minus strand). Cytogenetic location: 1p12.
Variant type: single nucleotide variant.
Coding change: c.5665C>T on transcript NM_024408.4 (MANE Select); coding-DNA position 5665, C replaced by T.
Protein change: p.Arg1889Trp; replaces arginine 1889 with tryptophan.
Molecular consequence: missense variant.
Genome position (GRCh38, 1-based): chr1:119,919,428, G>A on the plus strand (C>T on the coding strand, the complement: NOTCH2 is on the minus strand). VCF-style: chr1-119919428-G-A. GRCh37 (hg19) VCF-style: chr1-120462051-G-A.
Other names: c.5665C>T (NM_024408.3); short protein forms R1889W.
Identifiers: ClinVar variation 4736782 (VCV004736782.2).
Genomic context (GRCh38, chr1:119,919,428, plus strand): 5'-TGTTGTCCTGGGCATTGGCATCTGCACCTGCATCCAGGAGACGCTTGGCAGCATCAGCCC[G>A]TGAGTAGCGGGCTGCAAGGTGCAGGGCCATCTCACCAGTCCGGTCTGTCTGGGCCTGGAG-3'
Protein context (NP_077719.2, residues 1879-1899): MALHLAARYS[Arg1889Trp]ADAAKRLLDA